The following is an entry in ClinVar:

NM_182914.3(SYNE2):c.41G>A (p.Gly14Asp)

Gene: SYNE2 (spectrin repeat containing nuclear envelope protein 2; plus strand). Cytogenetic location: 14q23.2.
Variant type: single nucleotide variant.
Coding change: c.41G>A on transcript NM_182914.3 (MANE Select); coding-DNA position 41, G replaced by A.
Protein change: p.Gly14Asp; replaces glycine 14 with aspartic acid.
Molecular consequence: missense variant.
Genome position (GRCh38, 1-based): chr14:63,909,189, G>A. VCF-style: chr14-63909189-G-A. GRCh37 (hg19) VCF-style: chr14-64375907-G-A.
Other names: c.41G>A, p.Gly14Asp (NM_015180.6); short protein forms G14D.
Identifiers: ClinVar variation 4681975 (VCV004681975.5).

ClinVar aggregate classification (germline): Uncertain significance (1 of 4 stars; one submission).

Submission:

CeGaT Center for Human Genetics Tuebingen
Classification: Uncertain significance. Last evaluated: 2025-12-01. Review status: criteria provided, single submitter. Criteria: CeGaT Center For Human Genetics Tuebingen Variant Classification Criteria Version 2. Collection method: clinical testing. Allele origin: germline. Affected: yes. Observed: 1 variant allele.
Comment: SYNE2: PM2, BP4